The following is an entry in ClinVar:

NM_000088.4(COL1A1):c.4189G>A (p.Glu1397Lys)

Gene: COL1A1 (collagen type I alpha 1 chain; minus strand). Cytogenetic location: 17q21.33.
Variant type: single nucleotide variant.
Coding change: c.4189G>A on transcript NM_000088.4 (MANE Select); coding-DNA position 4189, G replaced by A.
Protein change: p.Glu1397Lys; replaces glutamic acid 1397 with lysine.
Molecular consequence: missense variant.
Genome position (GRCh38, 1-based): chr17:50,185,837, C>T on the plus strand (G>A on the coding strand, the complement: COL1A1 is on the minus strand). VCF-style: chr17-50185837-C-T. GRCh37 (hg19) VCF-style: chr17-48263198-C-T.
Other names: short protein forms E1397K.
Identifiers: ClinVar variation 2575567 (VCV002575567.2), dbSNP rs902407269, ClinGen allele CA400191690.

ClinVar aggregate classification (germline): Uncertain significance. Review status: criteria provided, multiple submitters, no conflicts (2 of 4 stars). 2 submissions from 2 submitters: Uncertain significance (2). Last evaluated 2024-08-07.

Conditions:
Cardiovascular phenotype. Identifiers: MedGen CN230736.

Allele frequency attached by ClinVar (database versions not stated): gnomAD exomes below 0.00001.

Submissions (2):

Ambry Genetics
Classification: Uncertain significance for Cardiovascular phenotype. Last evaluated: 2024-08-07. Review status: criteria provided, single submitter. Criteria: Ambry Variant Classification Scheme 2023. Collection method: clinical testing. Allele origin: germline.
Comment: The p.E1397K variant (also known as c.4189G>A), located in coding exon 50 of the COL1A1 gene, results from a G to A substitution at nucleotide position 4189. The glutamic acid at codon 1397 is replaced by lysine, an amino acid with similar properties. This amino acid position is highly conserved in available vertebrate species. In addition, this alteration is predicted to be deleterious by in silico analysis. Based on the available evidence, the clinical significance of this variant remains unclear.

GeneDx
Classification: Uncertain significance. Last evaluated: 2023-02-08. Review status: criteria provided, single submitter. Criteria: GeneDx Variant Classification Process June 2021. Collection method: clinical testing. Allele origin: germline. Affected: yes.
Comment: Not observed at significant frequency in large population cohorts (gnomAD); In silico analysis supports that this missense variant has a deleterious effect on protein structure/function; Has not been previously published as pathogenic or benign to our knowledge; Not located in the triple helical region, where the majority of pathogenic missense variants occur (HGMD)